The following is an entry in ClinVar:

NM_024419.5(PGS1):c.*11-158G>A

Genes: DNAH17 (dynein axonemal heavy chain 17; minus strand), PGS1 (phosphatidylglycerophosphate synthase 1; plus strand). Cytogenetic location: 17q25.3.
Variant type: single nucleotide variant.
Coding change: c.*11-158G>A on transcript NM_024419.5 (MANE Select); 158 bases into the intron before 11 bases downstream of the stop codon, G replaced by A.
Molecular consequence: intron variant. On other transcripts: 3 prime UTR variant (1).
Genome position (GRCh38, 1-based): chr17:78,423,903, G>A. VCF-style: chr17-78423903-G-A. GRCh37 (hg19) VCF-style: chr17-76419984-G-A.
Other names: c.*3C>T (NM_173628.4).
Identifiers: ClinVar variation 3033897 (VCV003033897.2), dbSNP rs72914863, ClinGen allele CA8799529.

ClinVar aggregate classification (germline): Likely benign (0 of 4 stars; one submission).

Conditions:
PGS1-related disorder. Also called: PGS1-related condition.

Allele frequency attached by ClinVar (database versions not stated): 1000 Genomes Project 0.00220; 1000 Genomes Project 30x 0.00234; gnomAD 0.00514; ESP Exome Variant Server 0.00515; ExAC 0.00681.
gnomAD v4.1: 10,417 of 1,613,820 alleles (0.65%); highest among the groups gnomAD compares: Non-Finnish European, 0.74%; 62 homozygotes.

Submission:

PreventionGenetics, part of Exact Sciences
Classification: Likely benign for PGS1-related condition. Last evaluated: 2019-03-01. Review status: no assertion criteria provided. Collection method: clinical testing. Allele origin: germline.
Comment: This variant is classified as likely benign based on ACMG/AMP sequence variant interpretation guidelines (Richards et al. 2015 PMID: 25741868, with internal and published modifications).